The following is an entry in ClinVar:

NM_001457.4(FLNB):c.2912C>A (p.Ala971Glu)

Gene: FLNB (filamin B; plus strand). Cytogenetic location: 3p14.3.
Variant type: single nucleotide variant.
Coding change: c.2912C>A on transcript NM_001457.4 (MANE Select); coding-DNA position 2912, C replaced by A.
Protein change: p.Ala971Glu; replaces alanine 971 with glutamic acid.
Molecular consequence: missense variant.
Genome position (GRCh38, 1-based): chr3:58,121,289, C>A. VCF-style: chr3-58121289-C-A. GRCh37 (hg19) VCF-style: chr3-58107016-C-A.
Other names: c.2912C>A, p.Ala971Glu (NM_001164317.2, NM_001164318.2, NM_001164319.2); short protein forms A971E.
Identifiers: ClinVar variation 3635715 (VCV003635715.2).
Genomic context (GRCh38, chr3:58,121,289, plus strand): 5'-TTTCTTTTCCAGGGGTGGAAGTTGGGAAGGATCAGGAGTTCACCGTTGATACCAGGGGGG[C>A]AGGAGGCCAGGGGAAGCTGGACGTGACAATCCTCAGCCCCTCTCGGAAGGTCGTGCCATG-3'
Protein context (NP_001448.2, residues 961-981): DQEFTVDTRG[Ala971Glu]GGQGKLDVTI

ClinVar aggregate classification (germline): Uncertain significance (1 of 4 stars; one submission).

Submission:

Labcorp Genetics (formerly Invitae), Labcorp
Classification: Uncertain significance. Last evaluated: 2024-08-11. Review status: criteria provided, single submitter. Criteria: Invitae Variant Classification Sherloc (09022015). Collection method: clinical testing. Allele origin: germline.
Comment: This sequence change replaces alanine, which is neutral and non-polar, with glutamic acid, which is acidic and polar, at codon 971 of the FLNB protein (p.Ala971Glu). This variant is not present in population databases (gnomAD no frequency). This variant has not been reported in the literature in individuals affected with FLNB-related conditions. Advanced modeling of protein sequence and biophysical properties (such as structural, functional, and spatial information, amino acid conservation, physicochemical variation, residue mobility, and thermodynamic stability) performed at Invitae indicates that this missense variant is not expected to disrupt FLNB protein function with a negative predictive value of 95%. In summary, the available evidence is currently insufficient to determine the role of this variant in disease. Therefore, it has been classified as a Variant of Uncertain Significance.